The following is an entry in ClinVar:

ClinVar aggregate classification (germline): Uncertain significance (1 of 4 stars; one submission).

Conditions:
Autosomal dominant nonsyndromic hearing loss 1. Also called: DEAFNESS, AUTOSOMAL DOMINANT 1, WITH OR WITHOUT THROMBOCYTOPENIA; KONIGSMARK SYNDROME. Identifiers: Orphanet 90635, MedGen C1852282, MONDO:0007424, OMIM 124900.
Progressive microcephaly-seizures-cortical blindness-developmental delay syndrome. Also called: Seizures, cortical blindness, and microcephaly syndrome. Identifiers: Orphanet 477814, MedGen C5567650, MONDO:0014714, OMIM 616632.

Allele frequency attached by ClinVar (database versions not stated): gnomAD 0.00001.
gnomAD v4.1: 1 of 1,613,870 alleles (0.000062%); highest among the groups gnomAD compares: African/African-American, 0.0013%; no homozygotes.

Submission:

Labcorp Genetics (formerly Invitae), Labcorp
Classification: Uncertain significance for Progressive microcephaly-seizures-cortical blindness-developmental delay syndrome; Autosomal dominant nonsyndromic hearing loss 1. Last evaluated: 2025-11-09. Review status: criteria provided, single submitter. Criteria: Invitae Variant Classification Sherloc (09022015). Collection method: clinical testing. Allele origin: germline.
Comment: This sequence change replaces glycine, which is neutral and non-polar, with alanine, which is neutral and non-polar, at codon 756 of the DIAPH1 protein (p.Gly756Ala). This variant is present in population databases (no rsID available, gnomAD 0.01%). This variant has not been reported in the literature in individuals affected with DIAPH1-related conditions. ClinVar contains an entry for this variant (Variation ID: 1468964). Experimental studies and prediction algorithms are not available or were not evaluated, and the functional significance of this variant is currently unknown. Algorithms developed to predict the effect of sequence changes on RNA splicing suggest that this variant may create or strengthen a splice site. In summary, the available evidence is currently insufficient to determine the role of this variant in disease. Therefore, it has been classified as a Variant of Uncertain Significance.

NM_005219.5(DIAPH1):c.2267G>C (p.Gly756Ala)

Gene: DIAPH1 (diaphanous related formin 1; minus strand). Cytogenetic location: 5q31.3.
Variant type: single nucleotide variant.
Coding change: c.2267G>C on transcript NM_005219.5 (MANE Select); coding-DNA position 2267, G replaced by C.
Protein change: p.Gly756Ala; replaces glycine 756 with alanine.
Molecular consequence: missense variant.
Genome position (GRCh38, 1-based): chr5:141,573,583, C>G on the plus strand (G>C on the coding strand, the complement: DIAPH1 is on the minus strand). VCF-style: chr5-141573583-C-G. GRCh37 (hg19) VCF-style: chr5-140953150-C-G.
Other names: c.2240G>C, p.Gly747Ala (NM_001079812.3); c.2267G>C, p.Gly756Ala (NM_001314007.2); short protein forms G747A, G756A.
Identifiers: ClinVar variation 1468964 (VCV001468964.6), dbSNP rs1423322662, ClinGen allele CA361516832.